The following is an entry in ClinVar:

ClinVar aggregate classification (germline): Uncertain significance (1 of 4 stars; one submission).

Submission:

Labcorp Genetics (formerly Invitae), Labcorp
Classification: Uncertain significance. Last evaluated: 2022-12-02. Review status: criteria provided, single submitter. Criteria: Invitae Variant Classification Sherloc (09022015). Collection method: clinical testing. Allele origin: germline.
Comment: This variant has not been reported in the literature in individuals affected with RPSA-related conditions. In summary, the available evidence is currently insufficient to determine the role of this variant in disease. Therefore, it has been classified as a Variant of Uncertain Significance. Algorithms developed to predict the effect of sequence changes on RNA splicing suggest that this variant is not likely to affect RNA splicing. This variant is not present in population databases (gnomAD no frequency). This sequence change affects codon 264 of the RPSA mRNA. It is a 'silent' change, meaning that it does not change the encoded amino acid sequence of the RPSA protein. It affects a nucleotide within the consensus splice site.

NM_002295.6(RPSA):c.792T>C (p.Thr264=)

Gene: RPSA (ribosomal protein SA; plus strand). Cytogenetic location: 3p22.1.
Variant type: single nucleotide variant.
Coding change: c.792T>C on transcript NM_002295.6 (MANE Select); coding-DNA position 792, T replaced by C.
Protein change: p.Thr264=; no amino-acid change (threonine 264 retained).
Molecular consequence: synonymous variant.
Genome position (GRCh38, 1-based): chr3:39,412,060, T>C. VCF-style: chr3-39412060-T-C. GRCh37 (hg19) VCF-style: chr3-39453551-T-C.
Other names: c.792T>C, p.Thr264= (NM_001012321.1); c.807T>C, p.Thr269= (NM_001304288.2).
Identifiers: ClinVar variation 2810136 (VCV002810136.3), dbSNP rs2470587558, ClinGen allele CA433343161.